The following is an entry in ClinVar:

ClinVar aggregate classification (germline): Pathogenic. Review status: criteria provided, multiple submitters, no conflicts (2 of 4 stars). 2 submissions from 2 submitters: Pathogenic (2). Last evaluated 2022-05-09.

Conditions:
Hereditary breast ovarian cancer syndrome. Also called: BRCA1- and BRCA2-Associated Hereditary Breast and Ovarian Cancer; Hereditary breast and ovarian cancer; Hereditary breast and ovarian cancer syndrome; Hereditary breast and ovarian cancer syndrome (HBOC); Breast and ovarian cancer; Hereditary breast and/or ovarian cancer syndrome. Identifiers: Orphanet 145, MedGen C0677776, MeSH D061325, MONDO:0003582. Disease mechanism: loss of function.

Submissions (2):

Women's Health and Genetics/Laboratory Corporation of America, LabCorp
Classification: Pathogenic for Hereditary breast ovarian cancer syndrome. Last evaluated: 2022-05-09. Review status: criteria provided, single submitter. Criteria: LabCorp Variant Classification Summary - May 2015. Collection method: clinical testing. Allele origin: germline.
Comment: Variant summary: BRCA2 c.5064dupA (p.Ala1689SerfsX6) results in a premature termination codon, predicted to cause a truncation of the encoded protein or absence of the protein due to nonsense mediated decay, which are commonly known mechanisms for disease. Truncations downstream of this position have been classified as pathogenic by our laboratory. Additionally, a variant resulting in the same amino acid change has been reported as pathogenic in ClinVar (c.5065_5066delGCinsAAA, p.Ala1689Lysfs*6). The variant was absent in 235882 control chromosomes. c.5064dupA has been reported in the literature in individuals affected with Hereditary Breast And Ovarian Cancer Syndrome (eg. Wong_2019, Zhu_2020). One clinical diagnostic laboratory has submitted clinical-significance assessments for this variant to ClinVar after 2014 without evidence for independent evaluation. One laboratory classified the variant as pathogenic. Based on the evidence outlined above, the variant was classified as pathogenic.

Labcorp Genetics (formerly Invitae), Labcorp
Classification: Pathogenic for Hereditary breast ovarian cancer syndrome. Last evaluated: 2021-11-17. Review status: criteria provided, single submitter. Criteria: Invitae Variant Classification Sherloc (09022015). Collection method: clinical testing. Allele origin: germline.
Comment: This sequence change creates a premature translational stop signal (p.Ala1689Serfs*6) in the BRCA2 gene. It is expected to result in an absent or disrupted protein product. Loss-of-function variants in BRCA2 are known to be pathogenic (PMID: 20104584). This variant is not present in population databases (gnomAD no frequency). This premature translational stop signal has been observed in individual(s) with personal and/or family history of BRCA2-related cancers (PMID: 15131399). This variant is also known as 5293delGCinsAAA . For these reasons, this variant has been classified as Pathogenic.

Literature cited by the submitters: PubMed 31469826 (cited by Women's Health and Genetics/Laboratory Corporation of America, LabCorp); PubMed 34594355 (cited by Women's Health and Genetics/Laboratory Corporation of America, LabCorp); PubMed 20104584 (cited by Labcorp Genetics (formerly Invitae), Labcorp); PubMed 15131399 (cited by Labcorp Genetics (formerly Invitae), Labcorp).

NM_000059.4(BRCA2):c.5064dup (p.Ala1689fs)

Gene: BRCA2 (BRCA2 DNA repair associated; plus strand). Cytogenetic location: 13q13.1.
Variant type: Duplication.
Coding change: c.5064dup on transcript NM_000059.4 (MANE Select); coding-DNA position 5064, one base duplicated (A; older notation c.5064dupA).
Protein change: p.Ala1689fs; shifts the reading frame from alanine 1689.
Molecular consequence: frameshift variant.
Genome position (GRCh38, 1-based): chr13:32,339,419, A duplicated; the last of 2 consecutive A bases (chr13:32,339,418-32,339,419); duplicating either gives the same sequence. VCF-style (leftmost placement, unchanged base first): chr13-32339417-G-GA. GRCh37 (hg19) VCF-style: chr13-32913554-G-GA.
Other names: short protein forms A1689fs.
Identifiers: ClinVar variation 1353491 (VCV001353491.2), dbSNP rs2137513621, ClinGen allele CA2573149321.